The following is an entry in ClinVar:

ClinVar aggregate classification (germline): Uncertain significance (1 of 4 stars; one submission).

Conditions:
Congenital myasthenic syndrome 4A. Also called: Myasthenic syndrome, congenital, 4a, slow-channel; CONGENITAL MYASTHENIC SYNDROME TYPE Ia1; MYASTHENIC SYNDROME, CONGENITAL, 4A, SLOW-CHANNEL, AUTOSOMAL RECESSIVE. Identifiers: Orphanet 590, MedGen C4225413, MONDO:0011600, OMIM 605809.

gnomAD v4.1: 3 of 1,613,810 alleles (0.00019%); highest among the groups gnomAD compares: Non-Finnish European, 0.00025%; no homozygotes.

Submission:

Labcorp Genetics (formerly Invitae), Labcorp
Classification: Uncertain significance for Congenital myasthenic syndrome 4A. Last evaluated: 2025-12-21. Review status: criteria provided, single submitter. Criteria: Invitae Variant Classification Sherloc (09022015). Collection method: clinical testing. Allele origin: germline.
Comment: This sequence change falls in intron 7 of the CHRNE gene. It does not directly change the encoded amino acid sequence of the CHRNE protein. It affects a nucleotide within the consensus splice site. This variant is present in population databases (rs778028755, gnomAD 0.002%). This variant has not been reported in the literature in individuals affected with CHRNE-related conditions. Variants that disrupt the consensus splice site are a relatively common cause of aberrant splicing (PMID: 17576681, 9536098). Algorithms developed to predict the effect of sequence changes on RNA splicing suggest that this variant is not likely to affect RNA splicing. In summary, the available evidence is currently insufficient to determine the role of this variant in disease. Therefore, it has been classified as a Variant of Uncertain Significance.

Literature cited by the submitters: PubMed 17576681; PubMed 9536098.

NM_000080.4(CHRNE):c.802+6C>T

Genes: C17orf107 (chromosome 17 open reading frame 107; plus strand), CHRNE (cholinergic receptor nicotinic epsilon subunit; minus strand). Cytogenetic location: 17p13.2.
Variant type: single nucleotide variant.
Coding change: c.802+6C>T on transcript NM_000080.4 (MANE Select); 6 bases into the intron after coding-DNA position 802, C replaced by T.
Molecular consequence: intron variant. On other transcripts: 3 prime UTR variant (1).
Genome position (GRCh38, 1-based): chr17:4,900,984, G>A on the plus strand (C>T on the coding strand, the complement: CHRNE is on the minus strand). VCF-style: chr17-4900984-G-A. GRCh37 (hg19) VCF-style: chr17-4804279-G-A.
Other names: c.*451G>A (NM_001145536.2).
Identifiers: ClinVar variation 4744997 (VCV004744997.1).